The following is an entry in ClinVar:

NM_000186.4(CFH):c.2056+1G>A

Gene: CFH (complement factor H; plus strand). Cytogenetic location: 1q31.3.
Variant type: single nucleotide variant.
Coding change: c.2056+1G>A on transcript NM_000186.4 (MANE Select); the canonical splice donor site of the intron after coding-DNA position 2056, G replaced by A.
Molecular consequence: splice donor variant.
Genome position (GRCh38, 1-based): chr1:196,726,653, G>A. VCF-style: chr1-196726653-G-A. GRCh37 (hg19) VCF-style: chr1-196695783-G-A.
Identifiers: ClinVar variation 4291444 (VCV004291444.1).

ClinVar aggregate classification (germline): Pathogenic, low penetrance (1 of 4 stars; one submission).

Conditions:
Atypical hemolytic-uremic syndrome. Identifiers: Orphanet 2134, MedGen C2931788, MONDO:0016244.

Submission:

Genomenon, Inc
Classification: Pathogenic, low penetrance for Atypical hemolytic-uremic syndrome. Last evaluated: 2025-10-02. Review status: criteria provided, single submitter. Criteria: Genomenon Sequence Variant Interpretation Standards - Updated. Collection method: curation. Allele origin: germline. Affected: yes.
Comment: CFH c.2056+1G>A is a canonical splice variant located in the donor splice region of intron 13. It is predicted to affect mRNA splicing, leading to a deleterious effect on the CFH protein. This variant has been observed in at least one proband affected with atypical hemolytic-uremic syndrome (PMID:29136640;34748552). It is absent or not present at a significant frequency in gnomAD. In conclusion, we classify CFH c.2056+1G>A as a pathogenic, low penetrance variant.

Literature cited by the submitters: PubMed 29136640; PubMed 34748552.